The following is an entry in ClinVar:

NM_014953.5(DIS3):c.1109G>A (p.Arg370Lys)

Gene: DIS3 (DIS3 exosome endoribonuclease and 3'-5' exoribonuclease; minus strand). Cytogenetic location: 13q21.33.
Variant type: single nucleotide variant.
Coding change: c.1109G>A on transcript NM_014953.5 (MANE Select); coding-DNA position 1109, G replaced by A.
Protein change: p.Arg370Lys; replaces arginine 370 with lysine.
Molecular consequence: missense variant.
Genome position (GRCh38, 1-based): chr13:72,773,814, C>T on the plus strand (G>A on the coding strand, the complement: DIS3 is on the minus strand). VCF-style: chr13-72773814-C-T. GRCh37 (hg19) VCF-style: chr13-73347952-C-T.
Other names: c.1019G>A, p.Arg340Lys (NM_001128226.3); c.740G>A, p.Arg247Lys (NM_001322348.2); c.623G>A, p.Arg208Lys (NM_001322349.2); c.1109G>A (NM_014953.3); short protein forms R208K, R247K, R340K, R370K.
Identifiers: ClinVar variation 3048093 (VCV003048093.3), dbSNP rs146357715, ClinGen allele CA7001442.

ClinVar aggregate classification (germline): Uncertain significance. Review status: criteria provided, single submitter (1 of 4 stars). 2 submissions from 2 submitters: Uncertain significance (1). 1 of the submissions does not count toward it. Last evaluated 2025-11-26.

Conditions:
DIS3-related disorder. Also called: DIS3-related condition.

Allele frequency attached by ClinVar (database versions not stated): ExAC 0.00031; gnomAD exomes 0.00008; ESP Exome Variant Server 0.00077; 1000 Genomes Project 30x 0.00141; 1000 Genomes Project 0.00180; gnomAD 0.00086; TOPMed 0.00092.
gnomAD v4.1: 259 of 1,601,326 alleles (0.016%); highest among the groups gnomAD compares: African/African-American, 0.3%; no homozygotes.

Submissions (2):

Ambry Genetics
Classification: Uncertain significance. Last evaluated: 2025-11-26. Review status: criteria provided, single submitter. Criteria: Ambry Variant Classification Scheme 2023. Collection method: clinical testing. Allele origin: germline.

PreventionGenetics, part of Exact Sciences
Classification: Likely benign for DIS3-related condition. Last evaluated: 2020-08-06. Review status: no assertion criteria provided. Collection method: clinical testing. Allele origin: germline. Not counted in ClinVar's aggregate classification.
Comment: This variant is classified as likely benign based on ACMG/AMP sequence variant interpretation guidelines (Richards et al. 2015 PMID: 25741868, with internal and published modifications).